The following is an entry in ClinVar:

ClinVar aggregate classification (germline): Uncertain significance (1 of 4 stars; one submission).

Submission:

Labcorp Genetics (formerly Invitae), Labcorp
Classification: Uncertain significance. Last evaluated: 2023-07-30. Review status: criteria provided, single submitter. Criteria: Invitae Variant Classification Sherloc (09022015). Collection method: clinical testing. Allele origin: germline.
Comment: This sequence change replaces glutamic acid, which is acidic and polar, with lysine, which is basic and polar, at codon 1662 of the MPDZ protein (p.Glu1662Lys). This variant is not present in population databases (gnomAD no frequency). This variant has not been reported in the literature in individuals affected with MPDZ-related conditions. An algorithm developed to predict the effect of missense changes on protein structure and function (PolyPhen-2) suggests that this variant is likely to be disruptive. Algorithms developed to predict the effect of sequence changes on RNA splicing suggest that this variant may disrupt the consensus splice site. In summary, the available evidence is currently insufficient to determine the role of this variant in disease. Therefore, it has been classified as a Variant of Uncertain Significance.

NM_001378778.1(MPDZ):c.4984G>A (p.Glu1662Lys)

Gene: MPDZ (multiple PDZ domain crumbs cell polarity complex component; minus strand). Cytogenetic location: 9p23.
Variant type: single nucleotide variant.
Coding change: c.4984G>A on transcript NM_001378778.1 (MANE Select); coding-DNA position 4984, G replaced by A.
Protein change: p.Glu1662Lys; replaces glutamic acid 1662 with lysine.
Molecular consequence: missense variant.
Genome position (GRCh38, 1-based): chr9:13,122,140, C>T on the plus strand (G>A on the coding strand, the complement: MPDZ is on the minus strand). VCF-style: chr9-13122140-C-T. GRCh37 (hg19) VCF-style: chr9-13122139-C-T.
Other names: c.4774G>A, p.Glu1592Lys (NM_001375424.1, NM_001375425.1, NM_001375426.1 and 4 more transcripts); c.4576G>A, p.Glu1526Lys (NM_001375427.1); c.4984G>A, p.Glu1662Lys (NM_003829.5, NM_001330637.2); c.4885G>A, p.Glu1629Lys (NM_001261406.2, NM_001261407.2, NM_001375416.1 and 3 more transcripts); c.5083G>A, p.Glu1695Lys (NM_001375413.1); short protein forms E1629K, E1526K, E1592K, E1695K, E1662K.
Identifiers: ClinVar variation 2739675 (VCV002739675.3), dbSNP rs778870383, ClinGen allele CA372945097.
Genomic context (GRCh38, chr9:13,122,140, plus strand): 5'-TCTATACCTCTAAGATCTGATCTCCAGCCCAGAGTCTTCCATCTTTACATGCTGCTCCTT[C>T]TTCATAAACTTCATGGATAATAATGGCACCCTAAGGGCCCAAACAAAACATACCCATACT-3'
Protein context (NP_001365707.1, residues 1652-1672): GAIIIHEVYE[Glu1662Lys]GAACKDGRLW